The following is an entry in ClinVar:

ClinVar aggregate classification (germline): Uncertain significance. Review status: criteria provided, multiple submitters, no conflicts (2 of 4 stars). 3 submissions from 3 submitters: Uncertain significance (3). Last evaluated 2025-10-20.

Conditions:
Hereditary cancer-predisposing syndrome. Also called: Hereditary neoplastic syndrome; Neoplastic Syndromes, Hereditary; Hereditary Cancer Syndrome; Tumor predisposition. Identifiers: Orphanet 140162, MedGen C0027672, MeSH D009386, MONDO:0015356.
Hereditary breast ovarian cancer syndrome. Also called: BRCA1- and BRCA2-Associated Hereditary Breast and Ovarian Cancer; Hereditary breast and ovarian cancer syndrome (HBOC); Hereditary breast and/or ovarian cancer syndrome; Hereditary breast and ovarian cancer syndrome; Hereditary breast and ovarian cancer; Breast and ovarian cancer. Identifiers: Orphanet 145, MedGen C0677776, MeSH D061325, MONDO:0003582. Disease mechanism: loss of function.

Submissions (3):

Color Diagnostics, LLC DBA Color Health
Classification: Uncertain significance for Hereditary cancer-predisposing syndrome. Last evaluated: 2025-10-20. Review status: criteria provided, single submitter. Criteria: ACMG Guidelines, 2015. Collection method: clinical testing. Allele origin: germline.
Comment: This missense variant replaces histidine with proline at codon 2415 of the BRCA2 protein. Computational prediction suggests that this variant may not impact protein structure and function. To our knowledge, functional studies have not been reported for this variant. This variant has not been reported in individuals affected with BRCA2-related disorders in the literature. This variant has not been identified in the general population by the Genome Aggregation Database (gnomAD). The available evidence is insufficient to determine the role of this variant in disease conclusively. Therefore, this variant is classified as a Variant of Uncertain Significance.

Ambry Genetics
Classification: Uncertain significance for Hereditary cancer-predisposing syndrome. Last evaluated: 2025-08-15. Review status: criteria provided, single submitter. Criteria: Ambry Variant Classification Scheme 2023. Collection method: clinical testing. Allele origin: germline.
Comment: The p.H2415P variant (also known as c.7244A>C), located in coding exon 13 of the BRCA2 gene, results from an A to C substitution at nucleotide position 7244. The histidine at codon 2415 is replaced by proline, an amino acid with similar properties. This amino acid position is not well conserved in available vertebrate species. In addition, the in silico prediction for this alteration is inconclusive. Based on the available evidence, the clinical significance of this variant remains unclear.

Labcorp Genetics (formerly Invitae), Labcorp
Classification: Uncertain significance for Hereditary breast ovarian cancer syndrome. Last evaluated: 2022-08-25. Review status: criteria provided, single submitter. Criteria: Invitae Variant Classification Sherloc (09022015). Collection method: clinical testing. Allele origin: germline.
Comment: This sequence change replaces histidine, which is basic and polar, with proline, which is neutral and non-polar, at codon 2415 of the BRCA2 protein (p.His2415Pro). This variant is not present in population databases (gnomAD no frequency). This variant has not been reported in the literature in individuals affected with BRCA2-related conditions. Advanced modeling of protein sequence and biophysical properties (such as structural, functional, and spatial information, amino acid conservation, physicochemical variation, residue mobility, and thermodynamic stability) performed at Invitae indicates that this missense variant is not expected to disrupt BRCA2 protein function. In summary, the available evidence is currently insufficient to determine the role of this variant in disease. Therefore, it has been classified as a Variant of Uncertain Significance.

NM_000059.4(BRCA2):c.7244A>C (p.His2415Pro)

Gene: BRCA2 (BRCA2 DNA repair associated; plus strand). Cytogenetic location: 13q13.1.
Variant type: single nucleotide variant.
Coding change: c.7244A>C on transcript NM_000059.4 (MANE Select); coding-DNA position 7244, A replaced by C.
Protein change: p.His2415Pro; replaces histidine 2415 with proline.
Molecular consequence: missense variant.
Genome position (GRCh38, 1-based): chr13:32,355,097, A>C. VCF-style: chr13-32355097-A-C. GRCh37 (hg19) VCF-style: chr13-32929234-A-C.
Other names: c.7148A>C, p.His2383Pro (NM_001406719.1); c.7244A>C, p.His2415Pro (NM_001406720.1); c.2312A>C, p.His771Pro (NM_001406721.1); c.827A>C, p.His276Pro (NM_001406722.1); short protein forms H2383P, H2415P, H276P, H771P.
Identifiers: ClinVar variation 1718001 (VCV001718001.8), dbSNP rs781092796, ClinGen allele CA387740409.